The following is an entry in ClinVar:

NM_201384.3(PLEC):c.10519G>A (p.Asp3507Asn)

Gene: PLEC (plectin; minus strand). Cytogenetic location: 8q24.3.
Variant type: single nucleotide variant.
Coding change: c.10519G>A on transcript NM_201384.3 (MANE Select); coding-DNA position 10519, G replaced by A.
Protein change: p.Asp3507Asn; replaces aspartic acid 3507 with asparagine.
Molecular consequence: missense variant.
Genome position (GRCh38, 1-based): chr8:143,919,302, C>T on the plus strand (G>A on the coding strand, the complement: PLEC is on the minus strand). VCF-style: chr8-143919302-C-T. GRCh37 (hg19) VCF-style: chr8-144993470-C-T.
Other names: c.10600G>A, p.Asp3534Asn (NM_000445.5); c.10477G>A, p.Asp3493Asn (NM_201378.4); c.10453G>A, p.Asp3485Asn (NM_201379.3); c.10930G>A, p.Asp3644Asn (NM_201380.4); c.10423G>A, p.Asp3475Asn (NM_201381.3); c.10519G>A, p.Asp3507Asn (NM_201382.4); c.10531G>A, p.Asp3511Asn (NM_201383.3); short protein forms D3507N, D3534N, D3644N, D3475N, D3485N, D3493N, D3511N.
Identifiers: ClinVar variation 834839 (VCV000834839.10), dbSNP rs200293573, ClinGen allele CA4924623.

ClinVar aggregate classification (germline): Uncertain significance. Review status: criteria provided, multiple submitters, no conflicts (2 of 4 stars). 3 submissions from 3 submitters: Uncertain significance (3). Last evaluated 2025-11-01.

Conditions:
Epidermolysis bullosa simplex 5C, with pyloric atresia (EBS5C). Also called: PLEC1-Related Epidermolysis Bullosa with Pyloric Atresia; Epidermolysis bullosa simplex with pyloric atresia; PLEC-Related Epidermolysis Bullosa with Pyloric Atresia. Identifiers: Orphanet 158684, MedGen C2677349, MONDO:0012807, OMIM 612138.
Epidermolysis bullosa simplex with nail dystrophy (EBS5D). Identifiers: MedGen C4225309, MONDO:0014661, OMIM 616487.
Epidermolysis bullosa simplex 5B, with muscular dystrophy (EBS5B). Also called: EPIDERMOLYSIS BULLOSA SIMPLEX AND LIMB-GIRDLE MUSCULAR DYSTROPHY; Epidermolysis bullosa simplex with muscular dystrophy. Identifiers: Orphanet 257, MedGen C2931072, MONDO:0009181, OMIM 226670.
Epidermolysis bullosa simplex, Ogna type (EBS5A). Also called: Pidermolysis bullosa simplex 5A, Ogna type; EPIDERMOLYSIS BULLOSA SIMPLEX 5A, OGNA TYPE. Identifiers: Orphanet 79401, MedGen C0432317, MONDO:0007555, OMIM 131950.
Autosomal recessive limb-girdle muscular dystrophy type 2Q (LGMDR17). Also called: MUSCULAR DYSTROPHY, LIMB-GIRDLE, AUTOSOMAL RECESSIVE 17. Identifiers: Orphanet 254361, MedGen C3150989, MONDO:0013390, OMIM 613723.

Allele frequency attached by ClinVar (database versions not stated): ESP Exome Variant Server 0.00008; ExAC 0.00009; TOPMed 0.00009.

Submissions (3):

Labcorp Genetics (formerly Invitae), Labcorp
Classification: Uncertain significance for Autosomal recessive limb-girdle muscular dystrophy type 2Q; Epidermolysis bullosa simplex, Ogna type; Epidermolysis bullosa simplex with nail dystrophy; Epidermolysis bullosa simplex 5C, with pyloric atresia; Epidermolysis bullosa simplex 5B, with muscular dystrophy. Last evaluated: 2025-11-01. Review status: criteria provided, single submitter. Criteria: Invitae Variant Classification Sherloc (09022015). Collection method: clinical testing. Allele origin: germline.
Comment: This sequence change replaces aspartic acid, which is acidic and polar, with asparagine, which is neutral and polar, at codon 3534 of the PLEC protein (p.Asp3534Asn). This variant is present in population databases (rs200293573, gnomAD 0.02%). This variant has not been reported in the literature in individuals affected with PLEC-related conditions. ClinVar contains an entry for this variant (Variation ID: 834839). Invitae Evidence Modeling of protein sequence and biophysical properties (such as structural, functional, and spatial information, amino acid conservation, physicochemical variation, residue mobility, and thermodynamic stability) indicates that this missense variant is not expected to disrupt PLEC protein function with a negative predictive value of 80%. In summary, the available evidence is currently insufficient to determine the role of this variant in disease. Therefore, it has been classified as a Variant of Uncertain Significance.

Revvity Omics, Revvity
Classification: Uncertain significance. Last evaluated: 2025-03-11. Review status: criteria provided, single submitter. Criteria: ACMG Guidelines, 2015. Collection method: clinical testing. Allele origin: germline.

Women's Health and Genetics/Laboratory Corporation of America, LabCorp
Classification: Uncertain significance. Last evaluated: 2024-06-10. Review status: criteria provided, single submitter. Criteria: LabCorp Variant Classification Summary - May 2015. Collection method: clinical testing. Allele origin: germline.
Comment: Variant summary: PLEC c.10600G>A (p.Asp3534Asn) results in a conservative amino acid change in the encoded protein sequence. Three of five in-silico tools predict a benign effect of the variant on protein function. The variant allele was found at a frequency of 0.00011 in 280838 control chromosomes. The available data on variant occurrences in the general population are insufficient to allow any conclusion about variant significance. To our knowledge, no occurrence of c.10600G>A in individuals affected with PLEC1-Related Disorders and no experimental evidence demonstrating its impact on protein function have been reported. ClinVar contains an entry for this variant (Variation ID: 834839). Based on the evidence outlined above, the variant was classified as uncertain significance.